The following is an entry in ClinVar:

ClinVar aggregate classification (germline): Uncertain significance. Review status: criteria provided, multiple submitters, no conflicts (2 of 4 stars). 2 submissions from 2 submitters: Uncertain significance (2). Last evaluated 2023-11-02.

Conditions:
Gingival fibromatosis-hypertrichosis syndrome. Also called: HYPERTRICHOSIS, CONGENITAL GENERALIZED, 3, WITH OR WITHOUT GINGIVAL HYPERPLASIA. Identifiers: Orphanet 2026, MedGen C1851120, MONDO:0007610, OMIM 135400.

Allele frequency attached by ClinVar (database versions not stated): gnomAD exomes below 0.00001; TOPMed 0.00001; gnomAD 0.00002; 1000 Genomes Project 30x 0.00031; 1000 Genomes Project 0.00040.
gnomAD v4.1: 10 of 1,590,732 alleles (0.00063%); highest among the groups gnomAD compares: East Asian, 0.016%; no homozygotes.

Submissions (2):

Ambry Genetics
Classification: Uncertain significance. Last evaluated: 2023-11-02. Review status: criteria provided, single submitter. Criteria: Ambry Variant Classification Scheme 2023. Collection method: clinical testing. Allele origin: germline.

Juno Genomics, Hangzhou Juno Genomics, Inc
Classification: Uncertain significance for Gingival fibromatosis-hypertrichosis syndrome. Review status: criteria provided, single submitter. Criteria: ACMG Guidelines, 2015. Collection method: clinical testing. Allele origin: germline.
Comment: Absent from controls (or at extremely low frequency if recessive) in Genome Aggregation Database.;Multiple lines of computational evidence support a deleterious effect on the gene or gene product.

NM_172232.4(ABCA5):c.3272T>C (p.Phe1091Ser)

Gene: ABCA5 (ATP binding cassette subfamily A member 5; minus strand). Cytogenetic location: 17q24.3.
Variant type: single nucleotide variant.
Coding change: c.3272T>C on transcript NM_172232.4 (MANE Select); coding-DNA position 3272, T replaced by C.
Protein change: p.Phe1091Ser; replaces phenylalanine 1091 with serine.
Molecular consequence: missense variant.
Genome position (GRCh38, 1-based): chr17:69,264,778, A>G on the plus strand (T>C on the coding strand, the complement: ABCA5 is on the minus strand). VCF-style: chr17-69264778-A-G. GRCh37 (hg19) VCF-style: chr17-67260919-A-G.
Other names: c.3272T>C, p.Phe1091Ser (NM_018672.5); short protein forms F1091S.
Identifiers: ClinVar variation 3104831 (VCV003104831.3), dbSNP rs551564563, ClinGen allele CA293365646.